The following is an entry in ClinVar:

ClinVar aggregate classification (germline): Pathogenic (1 of 4 stars; one submission).

Submission:

GeneDx
Classification: Pathogenic. Last evaluated: 2021-07-12. Review status: criteria provided, single submitter. Criteria: GeneDx Variant Classification Process June 2021. Collection method: clinical testing. Allele origin: germline. Affected: yes.
Comment: Initiation codon variant in a gene for which loss-of-function is a known mechanism of disease; Not observed in large population cohorts (Lek et al., 2016); Has not been previously published as pathogenic or benign to our knowledge; This variant is associated with the following publications: (PMID: 27535533)

NM_001320.7(CSNK2B):c.2T>G (p.Met1Arg)

Gene: CSNK2B (casein kinase 2 beta; plus strand). Cytogenetic location: 6p21.33.
Variant type: single nucleotide variant.
Coding change: c.2T>G on transcript NM_001320.7 (MANE Select); coding-DNA position 2, T replaced by G.
Protein change: p.Met1Arg; changes the start codon (methionine 1).
Molecular consequence: missense variant, initiator codon variant.
Genome position (GRCh38, 1-based): chr6:31,666,833, T>G. VCF-style: chr6-31666833-T-G. GRCh37 (hg19) VCF-style: chr6-31634610-T-G.
Other names: c.2T>G, p.Met1Arg (NM_001282385.2); short protein forms M1R.
Identifiers: ClinVar variation 1254603 (VCV001254603.3), dbSNP rs1562045237, ClinGen allele CA363469066.